The following is an entry in ClinVar:

NM_001290043.2(TAP2):c.*232T>G

Gene: TAP2 (transporter 2, ATP binding cassette subfamily B member; minus strand). Cytogenetic location: 6p21.32.
Variant type: single nucleotide variant.
Coding change: c.*232T>G on transcript NM_001290043.2 (MANE Select); 232 bases downstream of the stop codon, T replaced by G.
Molecular consequence: 3 prime UTR variant. On other transcripts: intron variant (1).
Genome position (GRCh38, 1-based): chr6:32,828,674, A>C on the plus strand (T>G on the coding strand, the complement: TAP2 is on the minus strand). VCF-style: chr6-32828674-A-C. GRCh37 (hg19) VCF-style: chr6-32796451-A-C.
Other names: c.1932+726T>G (NM_018833.3).
Identifiers: ClinVar variation 4682100 (VCV004682100.5).
Genomic context (GRCh38, chr6:32,828,674, plus strand): 5'-TACTCCTCATCACCAGGCAAAGCTCTAGTCACCAGGGAATTAAGTTTCCTGGACACAGAC[A>C]GCCCCCACCCCACCCCACCCCACCTCTCTACCCCACCAAAAGCACACAGTGTCCAAATCT-3'

ClinVar aggregate classification (germline): Likely benign (1 of 4 stars; one submission).

gnomAD v4.1: 7,292 of 921,994 alleles (0.79%); highest among the groups gnomAD compares: Middle Eastern, 1.1%; 52 homozygotes.

Submission:

CeGaT Center for Human Genetics Tuebingen
Classification: Likely benign. Last evaluated: 2026-06-01. Review status: criteria provided, single submitter. Criteria: CeGaT Center For Human Genetics Tuebingen Variant Classification Criteria Version 2. Collection method: clinical testing. Allele origin: germline. Affected: yes. Observed: 2 variant alleles.
Comment: TAP2: BS2